The following is an entry in ClinVar:

ClinVar aggregate classification (germline): Benign/Likely benign. Review status: criteria provided, multiple submitters, no conflicts (2 of 4 stars). 4 submissions from 4 submitters: Benign (2); Likely benign (1). 1 of the submissions does not count toward it. Last evaluated 2026-01-27.

Conditions:
DDOST-related disorder. Also called: DDOST-related condition.
Congenital disorder of glycosylation type Ir (CDG1R). Also called: DDOST-congenital disorder of glycosylation. Identifiers: Orphanet 300536, MedGen C3281084, MONDO:0013789, OMIM 614507.

Allele frequency attached by ClinVar (database versions not stated): gnomAD exomes 0.00639 and 0.01488; ExAC 0.01590; gnomAD 0.02273 and 0.02324; ESP Exome Variant Server 0.02291; TOPMed 0.02467; 1000 Genomes Project 0.03954; 1000 Genomes Project 30x 0.03966.
gnomAD v4.1: 13,198 of 1,613,924 alleles (0.82%); highest among the groups gnomAD compares: African/African-American, 7.2%; 403 homozygotes.

Submissions (4):

Labcorp Genetics (formerly Invitae), Labcorp
Classification: Benign for Congenital disorder of glycosylation type Ir. Last evaluated: 2026-01-27. Review status: criteria provided, single submitter. Criteria: Invitae Variant Classification Sherloc (09022015). Collection method: clinical testing. Allele origin: germline.

GeneDx
Classification: Benign. Last evaluated: 2016-02-08. Review status: criteria provided, single submitter. Criteria: GeneDx Variant Classification (06012015). Collection method: clinical testing. Allele origin: germline. Affected: yes.
Comment: This variant is considered likely benign or benign based on one or more of the following criteria: it is a conservative change, it occurs at a poorly conserved position in the protein, it is predicted to be benign by multiple in silico algorithms, and/or has population frequency not consistent with disease.

Breakthrough Genomics
Classification: Likely benign. Review status: criteria provided, single submitter. Criteria: ACMG Guidelines, 2015. Collection method: not provided. Allele origin: germline. Inheritance: Autosomal recessive inheritance. Affected: yes.

PreventionGenetics, part of Exact Sciences
Classification: Benign for DDOST-related condition. Last evaluated: 2019-07-16. Review status: no assertion criteria provided. Collection method: clinical testing. Allele origin: germline. Not counted in ClinVar's aggregate classification.
Comment: This variant is classified as benign based on ACMG/AMP sequence variant interpretation guidelines (Richards et al. 2015 PMID: 25741868, with internal and published modifications).

NM_005216.5(DDOST):c.831C>T (p.Ala277=)

Gene: DDOST (dolichyl-diphosphooligosaccharide--protein glycosyltransferase non-catalytic subunit; minus strand). Cytogenetic location: 1p36.12.
Variant type: single nucleotide variant.
Coding change: c.831C>T on transcript NM_005216.5 (MANE Select); coding-DNA position 831, C replaced by T.
Protein change: p.Ala277=; no amino-acid change (alanine 277 retained).
Molecular consequence: synonymous variant.
Genome position (GRCh38, 1-based): chr1:20,653,738, G>A on the plus strand (C>T on the coding strand, the complement: DDOST is on the minus strand). VCF-style: chr1-20653738-G-A. GRCh37 (hg19) VCF-style: chr1-20980231-G-A.
Identifiers: ClinVar variation 295114 (VCV000295114.16), dbSNP rs6692016, ClinGen allele CA661112.